The following is an entry in ClinVar:

ClinVar aggregate classification (germline): Conflicting classifications of pathogenicity. Review status: criteria provided, conflicting classifications (1 of 4 stars). 4 submissions from 4 submitters: Likely pathogenic (1); Uncertain significance (2). 1 of the submissions does not count toward it. Last evaluated 2026-01-08.

Conditions:
Retinitis pigmentosa 44 (RP44). Identifiers: Orphanet 791, MedGen C3151068, MONDO:0013414, OMIM 613769.

Submissions (4):

Labcorp Genetics (formerly Invitae), Labcorp
Classification: Uncertain significance. Last evaluated: 2026-01-08. Review status: criteria provided, single submitter. Criteria: Invitae Variant Classification Sherloc (09022015). Collection method: clinical testing. Allele origin: germline.
Comment: This sequence change is expected to alter the c-terminus of the RGR protein (p.Ile276Asnfs*78). While this is not anticipated to result in nonsense mediated decay, it is expected to disrupt the last 16 amino acid(s) of the RGR protein and extend the protein by 61 additional amino acid residues. This variant is not present in population databases (gnomAD no frequency). This frameshift has been observed in individual(s) with inherited retinal dystrophy (PMID: 10581022, 28041643, 28838317, 30347075, 38219857). It has also been observed to segregate with disease in related individuals. This variant is also known as Gly275(1-bp ins) or p.Ile280AsnfsTer78 or p.I276N*77. ClinVar contains an entry for this variant (Variation ID: 860352). Experimental studies and prediction algorithms are not available or were not evaluated, and the functional significance of this variant is currently unknown. In summary, the available evidence is currently insufficient to determine the role of this variant in disease. Therefore, it has been classified as a Variant of Uncertain Significance.

3billion
Classification: Likely pathogenic for Retinitis pigmentosa 44. Last evaluated: 2026-01-07. Review status: criteria provided, single submitter. Criteria: ACMG Guidelines, 2015. Collection method: clinical testing. Allele origin: germline. Affected: yes.
Comment: The variant is observed at an extremely low frequency in the gnomAD v4.1.0 dataset (total allele frequency: <0.001%). Predicted Consequence/Location: Frameshift: predicted to result in a loss or disruption of normal protein function through protein truncation. The predicted truncated protein may be shortened by less than 10%. The variant has been reported to co-segregate with the disease in at least 9 similarly affected relatives/individuals in the same family or similarly affected unrelated families (PMID: 30347075). The variant has been reported to be associated with RGR-related disorder (ClinVar ID: VCV000860352 /PMID: 10581022). Therefore, this variant is classified as Likely pathogenic according to the recommendation of ACMG/AMP guideline.

Blueprint Genetics
Classification: Uncertain significance. Last evaluated: 2023-09-08. Review status: criteria provided, single submitter. Criteria: ACMG Guidelines, 2015. Collection method: clinical testing. Allele origin: germline.

OMIM
Classification: Pathogenic for RETINITIS PIGMENTOSA 44. Last evaluated: 1999-12-01. Review status: no assertion criteria provided. Collection method: literature only. Allele origin: germline. Not counted in ClinVar's aggregate classification.

Literature cited by the submitters: PubMed 10581022 (cited by 3 submitters); PubMed 28041643 (cited by Labcorp Genetics (formerly Invitae), Labcorp); PubMed 28838317 (cited by Labcorp Genetics (formerly Invitae), Labcorp); PubMed 30347075 (cited by Labcorp Genetics (formerly Invitae), Labcorp and 3billion); PubMed 38219857 (cited by Labcorp Genetics (formerly Invitae), Labcorp).

NM_001012720.2(RGR):c.824dup (p.Ile276fs)

Gene: RGR (retinal G protein coupled receptor; plus strand). Cytogenetic location: 10q23.1.
Variant type: Duplication.
Coding change: c.824dup on transcript NM_001012720.2 (MANE Select); coding-DNA position 824, one base duplicated (G; older notation c.824dupG).
Protein change: p.Ile276fs; shifts the reading frame from isoleucine 276.
Molecular consequence: frameshift variant.
Genome position (GRCh38, 1-based): chr10:84,258,587, G duplicated; the last of 4 consecutive G bases (chr10:84,258,584-84,258,587); duplicating any one gives the same sequence. VCF-style (leftmost placement, unchanged base first): chr10-84258583-A-AG. GRCh37 (hg19) VCF-style: chr10-86018339-A-AG.
Other names: c.710dup, p.Ile238fs (NM_001012722.2); c.836dup, p.Ile280fs (NM_002921.4); short protein forms I238fs, I280fs, I276fs.
Identifiers: ClinVar variation 860352 (VCV000860352.9), dbSNP rs1842917477, ClinGen allele CA916083151.
Genomic context (GRCh38, chr10:84,258,583, plus strand): 5'-GCCAAAATGGTGCCCACGATCAATGCCATCAACTATGCCCTGGGCAATGAGATGGTCTGC[A>AG]GGGGAATCTGGCAGTGCCTCTCACCGCAGAAGAGGGAGAAGGACCGAACCAAGTGAGCCT-3'